The following is an entry in ClinVar:

NM_000179.3(MSH6):c.3637del (p.Asp1213fs)

Gene: MSH6 (mutS homolog 6; plus strand). Cytogenetic location: 2p16.3.
Variant type: Deletion.
Coding change: c.3637del on transcript NM_000179.3 (MANE Select); coding-DNA position 3637, one base deleted (G; older notation c.3637delG).
Protein change: p.Asp1213fs; shifts the reading frame from aspartic acid 1213.
Molecular consequence: frameshift variant.
Genome position (GRCh38, 1-based): chr2:47,805,698, G deleted; the last of 2 consecutive G bases (chr2:47,805,697-47,805,698); deleting either gives the same sequence. VCF-style (leftmost placement, unchanged base first): chr2-47805696-TG-T. GRCh37 (hg19) VCF-style: chr2-48032835-TG-T.
Other names: c.3247del, p.Asp1083fs (NM_001281492.2); c.2731del, p.Asp911fs (NM_001281493.2, NM_001281494.2); c.3733delG, p.Asp1245Metfs (NM_001406795.1, NM_001406802.1); c.3637delG, p.Asp1213Metfs (NM_001406796.1, NM_001406800.1, NM_001406808.1 and 1 more transcripts); c.3340delG, p.Asp1114Metfs (NM_001406797.1, NM_001406801.1, NM_001406805.1 and 10 more transcripts); c.3463delG, p.Asp1155Metfs (NM_001406798.1); c.3112delG, p.Asp1038Metfs (NM_001406799.1, NM_001406806.1, NM_001406807.1); c.2773delG, p.Asp925Metfs (NM_001406803.1); and 8 more; short protein forms D1083fs, D1213fs, D911fs.
Identifiers: ClinVar variation 1733457 (VCV001733457.2), dbSNP rs2530825515, ClinGen allele CA2580067257.
Genomic context (GRCh38, chr2:47,805,696, plus strand): 5'-TTGAATTAAGTGAAACTGCCAGCATACTCATGCATGCAACAGCACATTCTCTGGTGCTTG[TG>T]GATGAATTAGGTAAGACATTAAACTTCTCATTTGAAGACTATCTATCTTAAAAACATTTG-3'

ClinVar aggregate classification (germline): Pathogenic (1 of 4 stars; one submission).

Conditions:
Hereditary cancer-predisposing syndrome. Also called: Neoplastic Syndromes, Hereditary; Tumor predisposition; Hereditary Cancer Syndrome; Hereditary neoplastic syndrome. Identifiers: Orphanet 140162, MedGen C0027672, MeSH D009386, MONDO:0015356.

Submission:

Ambry Genetics
Classification: Pathogenic for Hereditary cancer-predisposing syndrome. Last evaluated: 2020-04-13. Review status: criteria provided, single submitter. Criteria: Ambry Variant Classification Scheme 2023. Collection method: clinical testing. Allele origin: germline.
Comment: The c.3637delG pathogenic mutation, located in coding exon 7 of the MSH6 gene, results from a deletion of one nucleotide at nucleotide position 3637, causing a translational frameshift with a predicted alternate stop codon (p.D1213Mfs*3). This alteration is expected to result in loss of function by premature protein truncation or nonsense-mediated mRNA decay. As such, this alteration is interpreted as a disease-causing mutation.